The following is an entry in ClinVar:

ClinVar aggregate classification (germline): Benign (1 of 4 stars; one submission).

Allele frequency attached by ClinVar (database versions not stated): 1000 Genomes Project 30x 0.04107; 1000 Genomes Project 0.04233; TOPMed 0.05876; gnomAD 0.06181 and 0.06288.
gnomAD v4.1: 9,533 of 152,096 alleles (6.3%); highest among the groups gnomAD compares: Non-Finnish European, 9.6%; 437 homozygotes.

Submission:

GeneDx
Classification: Benign. Last evaluated: 2018-06-14. Review status: criteria provided, single submitter. Criteria: GeneDx Variant Classification (06012015). Collection method: clinical testing. Allele origin: germline. Affected: yes.
Comment: This variant is considered likely benign or benign based on one or more of the following criteria: it is a conservative change, it occurs at a poorly conserved position in the protein, it is predicted to be benign by multiple in silico algorithms, and/or has population frequency not consistent with disease.

NM_000231.3(SGCG):c.702+326C>T

Gene: SGCG (sarcoglycan gamma; plus strand). Cytogenetic location: 13q12.12.
Variant type: single nucleotide variant.
Coding change: c.702+326C>T on transcript NM_000231.3 (MANE Select); 326 bases into the intron after coding-DNA position 702, C replaced by T.
Molecular consequence: intron variant.
Genome position (GRCh38, 1-based): chr13:23,321,086, C>T. VCF-style: chr13-23321086-C-T. GRCh37 (hg19) VCF-style: chr13-23895225-C-T.
Other names: c.756+326C>T (NM_001378244.1); c.702+326C>T (NM_001378245.1, NM_001378246.1).
Identifiers: ClinVar variation 668960 (VCV000668960.1), dbSNP rs4770432, ClinGen allele CA16462275.